The following is an entry in ClinVar:

ClinVar aggregate classification (germline): Likely pathogenic. Review status: criteria provided, single submitter (1 of 4 stars). 2 submissions from 2 submitters: Likely pathogenic (1). 1 of the submissions does not count toward it. Last evaluated 2018-08-27.

Conditions:
Tuberous sclerosis syndrome (TSC). Also called: Tuberous Sclerosis Complex; Tuberous sclerosis. Identifiers: Orphanet 805, MedGen C0041341, MONDO:0001734.

Submissions (2):

GeneDx
Classification: Likely pathogenic. Last evaluated: 2018-08-27. Review status: criteria provided, single submitter. Criteria: GeneDx Variant Classification (06012015). Collection method: clinical testing. Allele origin: germline. Affected: yes.
Comment: A variant that is likely pathogenic has been identified in the TSC2 gene. The c.5122delC variant has been reported previously in a single individual with tuberous sclerosis; however, parental testing was not performed (Au et al., 2007). The c.5122delC variant causes a frameshift starting with codon Leucine 1708, changes this amino acid to a Cysteine residue and creates a premature Stop codon at position 118 of the new reading frame, denoted p.Leu1708CysfsX118. This likely pathogenic variant is predicted to alter the protein, as the last 100 amino acids of the TSC2 protein are changed to 118 incorrect amino acids. The c.5122delC variant is not observed in large population cohorts (Lek et al., 2016). Therefore, this variant is likely pathogenic; however, the possibility that it is benign cannot be excluded.

Tuberous sclerosis database (TSC2)
No classification provided. Condition: TSC. Review status: no classification provided. Criteria: Tuberous Sclerosis Database Assertion Criteria 2015. Collection method: curation. Allele origin: germline. Affected: yes. Not counted in ClinVar's aggregate classification.

NM_000548.5(TSC2):c.5122del (p.Leu1708fs)

Gene: TSC2 (TSC complex subunit 2; plus strand). Cytogenetic location: 16p13.3.
Variant type: Deletion.
Coding change: c.5122del on transcript NM_000548.5 (MANE Select); coding-DNA position 5122, one base deleted (C; older notation c.5122delC).
Protein change: p.Leu1708fs; shifts the reading frame from leucine 1708.
Molecular consequence: frameshift variant.
Genome position (GRCh38, 1-based): chr16:2,088,101, C deleted; the last of 2 consecutive C bases (chr16:2,088,100-2,088,101); deleting either gives the same sequence. VCF-style (leftmost placement, unchanged base first): chr16-2088099-AC-A. GRCh37 (hg19) VCF-style: chr16-2138100-AC-A.
Other names: c.4921del, p.Leu1641fs (NM_001077183.3); c.5053del, p.Leu1685fs (NM_001114382.3); c.4813del, p.Leu1605fs (NM_001318827.2); c.4777del, p.Leu1593fs (NM_001318829.2); c.4390del, p.Leu1464fs (NM_001318831.2); c.4954del, p.Leu1652fs (NM_001318832.2); c.4924del, p.Leu1642fs (NM_001363528.2); c.4990del, p.Leu1664fs (NM_001370404.1); and 1 more; short protein forms L1641fs, L1652fs, L1605fs, L1642fs, L1664fs, L1593fs, L1665fs, L1708fs.
Identifiers: ClinVar variation 49349 (VCV000049349.3), dbSNP rs137854336, ClinGen allele CA021776.